The following is an entry in ClinVar:

NM_015557.3(CHD5):c.4418G>A (p.Arg1473Gln)

Gene: CHD5 (chromodomain helicase DNA binding protein 5; minus strand). Cytogenetic location: 1p36.31.
Variant type: single nucleotide variant.
Coding change: c.4418G>A on transcript NM_015557.3 (MANE Select); coding-DNA position 4418, G replaced by A.
Protein change: p.Arg1473Gln; replaces arginine 1473 with glutamine.
Molecular consequence: missense variant.
Genome position (GRCh38, 1-based): chr1:6,124,638, C>T on the plus strand (G>A on the coding strand, the complement: CHD5 is on the minus strand). VCF-style: chr1-6124638-C-T. GRCh37 (hg19) VCF-style: chr1-6184698-C-T.
Other names: short protein forms R1473Q.
Identifiers: ClinVar variation 2663450 (VCV002663450.1), dbSNP rs2525365163, ClinGen allele CA338071976.
Genomic context (GRCh38, chr1:6,124,638, plus strand): 5'-TCCCGGGGCACGCCGTCTGCGAAGGTCTCTGCACCATCCGCCCCCGGCTCACACAGGTGC[C>T]GCATGAAGAGGGACACATAGGCTCTGGGGTGGGGGGGGGGGACTGGGGCTCAGGGAGTGG-3'
Protein context (NP_056372.1, residues 1463-1483): EFRAYVSLFM[Arg1473Gln]HLCEPGADGA

ClinVar aggregate classification (germline): Uncertain significance (1 of 4 stars; one submission).

Allele frequency attached by ClinVar (database versions not stated): gnomAD exomes below 0.00001.
gnomAD v4.1: 2 of 1,510,038 alleles (0.00013%); highest among the groups gnomAD compares: Non-Finnish European, 0.00018%; no homozygotes.

Submission:

GeneDx
Classification: Uncertain significance. Last evaluated: 2023-04-04. Review status: criteria provided, single submitter. Criteria: GeneDx Variant Classification Process June 2021. Collection method: clinical testing. Allele origin: germline. Affected: yes.
Comment: Not observed at significant frequency in large population cohorts (gnomAD); In silico analysis supports that this missense variant has a deleterious effect on protein structure/function; In addition, in silico analysis supports a deleterious effect on splicing; Has not been previously published as pathogenic or benign to our knowledge